The following is an entry in ClinVar:

NM_004415.4(DSP):c.7363A>C (p.Thr2455Pro)

Gene: DSP (desmoplakin; plus strand). Cytogenetic location: 6p24.3.
Variant type: single nucleotide variant.
Coding change: c.7363A>C on transcript NM_004415.4 (MANE Select); coding-DNA position 7363, A replaced by C.
Protein change: p.Thr2455Pro; replaces threonine 2455 with proline.
Molecular consequence: missense variant.
Genome position (GRCh38, 1-based): chr6:7,584,625, A>C. VCF-style: chr6-7584625-A-C. GRCh37 (hg19) VCF-style: chr6-7584858-A-C.
Other names: c.5566A>C, p.Thr1856Pro (NM_001008844.3); c.6034A>C, p.Thr2012Pro (NM_001319034.2); short protein forms T1856P, T2012P, T2455P.
Identifiers: ClinVar variation 1172397 (VCV001172397.3), dbSNP rs2113702180, ClinGen allele CA362692837.

ClinVar aggregate classification (germline): Uncertain significance (1 of 4 stars; one submission).

Conditions:
Cardiomyopathy (CMYO). Also called: Cardiomyopathies. Identifiers: Orphanet 167848, MedGen C0878544, MONDO:0004994, HP:0001638. Inheritance: Various modes of inheritance.

Submission:

Color Diagnostics, LLC DBA Color Health
Classification: Uncertain significance for Cardiomyopathy. Last evaluated: 2024-03-06. Review status: criteria provided, single submitter. Criteria: ACMG Guidelines, 2015. Collection method: clinical testing. Allele origin: germline.
Comment: This missense variant replaces threonine with proline at codon 2455 of the DSP protein. Computational prediction suggests that this variant may not impact protein structure and function (internally defined REVEL score threshold <= 0.5, PMID: 27666373). To our knowledge, functional studies have not been reported for this variant. This variant has not been reported in individuals affected with cardiovascular disorders in the literature. This variant has not been identified in the general population by the Genome Aggregation Database (gnomAD). The available evidence is insufficient to determine the role of this variant in disease conclusively. Therefore, this variant is classified as a Variant of Uncertain Significance.